The following is an entry in ClinVar:

NM_000302.4(PLOD1):c.*19C>G

Gene: PLOD1 (procollagen-lysine,2-oxoglutarate 5-dioxygenase 1; plus strand). Cytogenetic location: 1p36.22.
Variant type: single nucleotide variant.
Coding change: c.*19C>G on transcript NM_000302.4 (MANE Select); 19 bases downstream of the stop codon, C replaced by G.
Molecular consequence: 3 prime UTR variant.
Genome position (GRCh38, 1-based): chr1:11,974,827, C>G. VCF-style: chr1-11974827-C-G. GRCh37 (hg19) VCF-style: chr1-12034884-C-G.
Other names: c.*19C>G (NM_001316320.2).
Identifiers: ClinVar variation 4526158 (VCV004526158.1).
Genomic context (GRCh38, chr1:11,974,827, plus strand): 5'-AGGGGCACCCGCTACATCGCAGTCTCCTTCGTCGATCCCTAATTGGCCAGGCCTGACCCT[C>G]TTGGACCTTTCTTCTTTGCCGACAACCACTGCCCAGCAGCCTCTGGGACCTCGGGGTCCC-3'

ClinVar aggregate classification (germline): Uncertain significance (1 of 4 stars; one submission).

gnomAD v4.1: 2 of 1,613,734 alleles (0.00012%); highest among the groups gnomAD compares: African/African-American, 0.0027%; no homozygotes.

Submission:

Women's Health and Genetics/Laboratory Corporation of America, LabCorp
Classification: Uncertain significance. Last evaluated: 2025-07-28. Review status: criteria provided, single submitter. Criteria: LabCorp Variant Classification Summary - May 2015. Collection method: clinical testing. Allele origin: germline.
Comment: Variant summary: PLOD1 c.*19C>G is located in the untranslated mRNA region downstream of the termination codon. The variant was absent in 251336 control chromosomes. The available data on variant occurrences in the general population are insufficient to allow any conclusion about variant significance. To our knowledge, no occurrence of c.*19C>G in individuals affected with Ehlers-Danlos syndrome, kyphoscoliotic type 1 and no experimental evidence demonstrating its impact on protein function have been reported. No submitters have cited clinical-significance assessments for this variant to ClinVar. Based on the evidence outlined above, the variant was classified as uncertain significance.